The following is an entry in ClinVar:

ClinVar aggregate classification (germline): Uncertain significance (1 of 4 stars; one submission).

Conditions:
BRWD3-related X-linked syndromic intellectual disability.

Allele frequency attached by ClinVar (database versions not stated): gnomAD exomes 0.00001 and below 0.00001; TOPMed 0.00001.
gnomAD v4.1: 3 of 1,199,091 alleles (0.00025%); highest among the groups gnomAD compares: Non-Finnish European, 0.00034%; no homozygotes.

Submissions (2):

Illumina Laboratory Services, Illumina
Classification: Uncertain significance for BRWD3-related X-linked syndromic intellectual disability. Last evaluated: 2019-02-07. Review status: criteria provided, single submitter. Criteria: ICSLVariantClassificationCriteria RUGD 01 April 2020. Collection method: clinical testing. Allele origin: unknown.
Comment: The BRWD3 c.1118A>G (p.Asn373Ser) variant is a missense variant. A literature search was performed for the gene, cDNA change, and amino acid change. No publications were found based on this search. This variant is found at a frequency of 0.000012 in the European (non-Finnish) population of the Genome Aggregation Database, but this is based on one allele in a heterozygous state in a region of good sequence coverage, so the variant is presumed to be rare. The Asn373 residue is in the WD40 repeat domain, which is reported to be an important domain (Tenorio et al. 2019). Based on the limited evidence, the p.Asn373Ser variant is classified as a variant of uncertain significance for X-linked syndromic intellectual disability.

Dr. Peter K. Rogan Lab, Western University
No classification provided (evidence only). Condition: Nonpapillary renal cell carcinoma. Review status: no classification provided. Collection method: in vitro. Allele origin: not applicable. Functional consequence: retained intron. Not counted in ClinVar's aggregate classification.

Literature cited by the submitters: PubMed 30628072 (cited by Illumina Laboratory Services, Illumina).

NM_153252.5(BRWD3):c.1118A>G (p.Asn373Ser)

Gene: BRWD3 (bromodomain and WD repeat domain containing 3; minus strand). Cytogenetic location: Xq21.1.
Variant type: single nucleotide variant.
Coding change: c.1118A>G on transcript NM_153252.5 (MANE Select); coding-DNA position 1118, A replaced by G.
Protein change: p.Asn373Ser; replaces asparagine 373 with serine.
Molecular consequence: missense variant.
Genome position (GRCh38, 1-based): chrX:80,733,465, T>C on the plus strand (A>G on the coding strand, the complement: BRWD3 is on the minus strand). VCF-style: chrX-80733465-T-C. GRCh37 (hg19) VCF-style: chrX-79988964-T-C.
Other names: NC_000023.10:g.79988964T>C; short protein forms N373S.
Identifiers: ClinVar variation 989249 (VCV000989249.5), dbSNP rs1344040839, ClinGen allele CA413635971.